The following is an entry in ClinVar:

NM_032043.3(BRIP1):c.2258-19C>T

Gene: BRIP1 (BRCA1 interacting DNA helicase 1; minus strand). Cytogenetic location: 17q23.2.
Variant type: single nucleotide variant.
Coding change: c.2258-19C>T on transcript NM_032043.3 (MANE Select); 19 bases into the intron before coding-DNA position 2258, C replaced by T.
Molecular consequence: intron variant.
Genome position (GRCh38, 1-based): chr17:61,743,153, G>A on the plus strand (C>T on the coding strand, the complement: BRIP1 is on the minus strand). VCF-style: chr17-61743153-G-A. GRCh37 (hg19) VCF-style: chr17-59820514-G-A.
Identifiers: ClinVar variation 392638 (VCV000392638.9), dbSNP rs1057524575, ClinGen allele CA16607749.
Genomic context (GRCh38, chr17:61,743,153, plus strand): 5'-CACTCACTTTACCACGACAAACTGCTACCAGGAGAGCTCCATCTTAAACAACAGAAAAAA[G>A]CATATCCAAAATTCTCAGAAATTGCTTATTCTTGTCATTTTGAAAATACCTGATTTATAA-3'

ClinVar aggregate classification (germline): Likely benign. Review status: criteria provided, multiple submitters, no conflicts (2 of 4 stars). 4 submissions from 4 submitters: Likely benign (4). Last evaluated 2025-03-23.

Conditions:
Familial cancer of breast. Also called: BREAST CANCER, FAMILIAL; hereditary breast carcinoma; Hereditary breast cancer. Identifiers: Orphanet 227535, MedGen C0346153, MONDO:0016419, OMIM 114480. Disease mechanism: loss of function.
Fanconi anemia complementation group J. Also called: BRIP1-Related Fanconi Anemia. Identifiers: Orphanet 84, MedGen C1836860, MONDO:0012187, OMIM 609054.
Hereditary cancer-predisposing syndrome. Also called: Tumor predisposition; Neoplastic Syndromes, Hereditary; Hereditary Cancer Syndrome; Hereditary neoplastic syndrome. Identifiers: Orphanet 140162, MedGen C0027672, MeSH D009386, MONDO:0015356.

Allele frequency attached by ClinVar (database versions not stated): gnomAD 0.00001; TOPMed 0.00001.
gnomAD v4.1: 2 of 1,613,112 alleles (0.00012%); highest among the groups gnomAD compares: East Asian, 0.0022%; no homozygotes.

Submissions (4):

Labcorp Genetics (formerly Invitae), Labcorp
Classification: Likely benign for Familial cancer of breast; Fanconi anemia complementation group J. Last evaluated: 2025-03-23. Review status: criteria provided, single submitter. Criteria: Invitae Variant Classification Sherloc (09022015). Collection method: clinical testing. Allele origin: germline.

Myriad Genetics, Inc.
Classification: Likely benign for Familial cancer of breast. Last evaluated: 2024-09-04. Review status: criteria provided, single submitter. Criteria: Myriad Autosomal Dominant, Autosomal Recessive and X-Linked Classification Criteria (2023). Collection method: clinical testing. Allele origin: unknown.
Comment: This variant is considered likely benign. This variant is intronic and is not expected to impact mRNA splicing.

GeneDx
Classification: Likely benign. Last evaluated: 2017-01-03. Review status: criteria provided, single submitter. Criteria: GeneDx Variant Classification (06012015). Collection method: clinical testing. Allele origin: germline. Affected: yes.
Comment: This variant is considered likely benign or benign based on one or more of the following criteria: it is a conservative change, it occurs at a poorly conserved position in the protein, it is predicted to be benign by multiple in silico algorithms, and/or has population frequency not consistent with disease.

Color Diagnostics, LLC DBA Color Health
Classification: Likely benign for Hereditary cancer-predisposing syndrome. Last evaluated: 2016-11-17. Review status: criteria provided, single submitter. Criteria: ACMG Guidelines, 2015. Collection method: clinical testing. Allele origin: germline.